The following is an entry in ClinVar:

ClinVar aggregate classification (germline): Uncertain significance. Review status: criteria provided, multiple submitters, no conflicts (2 of 4 stars). 2 submissions from 2 submitters: Uncertain significance (2). Last evaluated 2025-03-31.

Allele frequency attached by ClinVar (database versions not stated): gnomAD exomes 0.00001; ExAC 0.00002; gnomAD 0.00003; ESP Exome Variant Server 0.00008.
gnomAD v4.1: 13 of 1,613,778 alleles (0.00081%); highest among the groups gnomAD compares: Non-Finnish European, 0.00034%; no homozygotes.

Submissions (2):

Labcorp Genetics (formerly Invitae), Labcorp
Classification: Uncertain significance. Last evaluated: 2025-03-31. Review status: criteria provided, single submitter. Criteria: Invitae Variant Classification Sherloc (09022015). Collection method: clinical testing. Allele origin: germline.
Comment: This sequence change replaces serine, which is neutral and polar, with leucine, which is neutral and non-polar, at codon 289 of the MYLK3 protein (p.Ser289Leu). This variant is present in population databases (rs374905189, gnomAD 0.02%). This variant has not been reported in the literature in individuals affected with MYLK3-related conditions. ClinVar contains an entry for this variant (Variation ID: 1488877). An algorithm developed to predict the effect of missense changes on protein structure and function outputs the following: PolyPhen-2: "Benign". The leucine amino acid residue is found in multiple mammalian species, which suggests that this missense change does not adversely affect protein function. In summary, the available evidence is currently insufficient to determine the role of this variant in disease. Therefore, it has been classified as a Variant of Uncertain Significance.

Ambry Genetics
Classification: Uncertain significance. Last evaluated: 2024-10-03. Review status: criteria provided, single submitter. Criteria: Ambry Variant Classification Scheme 2023. Collection method: clinical testing. Allele origin: germline.

NM_182493.3(MYLK3):c.866C>T (p.Ser289Leu)

Gene: MYLK3 (myosin light chain kinase 3; minus strand). Cytogenetic location: 16q11.2.
Variant type: single nucleotide variant.
Coding change: c.866C>T on transcript NM_182493.3 (MANE Select); coding-DNA position 866, C replaced by T.
Protein change: p.Ser289Leu; replaces serine 289 with leucine.
Molecular consequence: missense variant. On other transcripts: intron variant (1).
Genome position (GRCh38, 1-based): chr16:46,737,846, G>A on the plus strand (C>T on the coding strand, the complement: MYLK3 is on the minus strand). VCF-style: chr16-46737846-G-A. GRCh37 (hg19) VCF-style: chr16-46771758-G-A.
Other names: c.-23+2211C>T (NM_001308301.1); c.866C>T (NM_182493.2); short protein forms S289L.
Identifiers: ClinVar variation 1488877 (VCV001488877.9), dbSNP rs374905189, ClinGen allele CA8038129.